The following is an entry in ClinVar:

ClinVar aggregate classification (germline): Likely benign. Review status: criteria provided, multiple submitters, no conflicts (2 of 4 stars). 3 submissions from 3 submitters: Likely benign (3). Last evaluated 2023-09-27.

Conditions:
Fanconi anemia complementation group C (FANCC). Also called: FANCC-Related Fanconi Anemia; FANCONI PANCYTOPENIA, TYPE 3; FACC; Fanconi anemia, group C. Identifiers: Orphanet 84, MedGen C3468041, MONDO:0009213, OMIM 227645.
Fanconi anemia (FA). Also called: Fanconi's anemia. Identifiers: Orphanet 84, MedGen C0015625, MeSH D005199, MONDO:0019391.

Allele frequency attached by ClinVar (database versions not stated): gnomAD exomes below 0.00001 and 0.00001; TOPMed below 0.00001; ExAC 0.00001.
gnomAD v4.1: 3 of 1,562,808 alleles (0.00019%); highest among the groups gnomAD compares: Admixed American, 0.005%; no homozygotes.

Submissions (3):

Labcorp Genetics (formerly Invitae), Labcorp
Classification: Likely benign for Fanconi anemia. Last evaluated: 2023-09-27. Review status: criteria provided, single submitter. Criteria: Invitae Variant Classification Sherloc (09022015). Collection method: clinical testing. Allele origin: germline.

Department of Pathology and Laboratory Medicine, Sinai Health System
Classification: Likely benign for Fanconi anemia complementation group C. Last evaluated: 2020-02-25. Review status: criteria provided, single submitter. Criteria: ACMG Guidelines, 2015. Collection method: clinical testing. Allele origin: germline. Affected: yes.

GeneDx
Classification: Likely benign. Last evaluated: 2018-04-25. Review status: criteria provided, single submitter. Criteria: GeneDx Variant Classification (06012015). Collection method: clinical testing. Allele origin: germline. Affected: yes.
Comment: This variant is considered likely benign or benign based on one or more of the following criteria: it is a conservative change, it occurs at a poorly conserved position in the protein, it is predicted to be benign by multiple in silico algorithms, and/or has population frequency not consistent with disease.

NM_000136.3(FANCC):c.346-8T>C

Gene: FANCC (FA complementation group C; minus strand). Cytogenetic location: 9q22.32.
Variant type: single nucleotide variant.
Coding change: c.346-8T>C on transcript NM_000136.3 (MANE Select); 8 bases into the intron before coding-DNA position 346, T replaced by C.
Molecular consequence: intron variant.
Genome position (GRCh38, 1-based): chr9:95,172,155, A>G on the plus strand (T>C on the coding strand, the complement: FANCC is on the minus strand). VCF-style: chr9-95172155-A-G. GRCh37 (hg19) VCF-style: chr9-97934437-A-G.
Other names: c.346-8T>C (NM_001243743.2, NM_001243744.2).
Identifiers: ClinVar variation 670314 (VCV000670314.10), dbSNP rs747950159, ClinGen allele CA5137760.